The following is an entry in ClinVar:

NC_000002.11:g.(?_220283513)_(220299541_?)del

Gene: DES (desmin; plus strand). Cytogenetic location: 2q35.
Variant type: Deletion.
Identifiers: ClinVar variation 3247398 (VCV003247398.1).

ClinVar aggregate classification (germline): Uncertain significance (1 of 4 stars; one submission).

Conditions:
Desmin-related myofibrillar myopathy (MFM1). Also called: Desminopathy; MYOFIBRILLAR MYOPATHY WITH ARRHYTHMOGENIC RIGHT VENTRICULAR CARDIOMYOPATHY; DESMIN-RELATED MYOPATHY WITH ARRHYTHMOGENIC RIGHT VENTRICULAR CARDIOMYOPATHY; Desmin related myopathy (former name); Desmin storage myopathy (former name); Myofibrillar myopathy 1. Identifiers: Orphanet 363543, Orphanet 98909, MedGen C1832370, MONDO:0011076, OMIM 601419.

Submission:

Labcorp Genetics (formerly Invitae), Labcorp
Classification: Uncertain significance for Desmin-related myofibrillar myopathy. Last evaluated: 2023-12-13. Review status: criteria provided, single submitter. Criteria: Invitae Variant Classification Sherloc (09022015). Collection method: clinical testing. Allele origin: unknown.
Comment: This variant results in the deletion of exons 2-9 and part of exon 1 (c.329_*8829delinsCAATCGCCT) of the DES gene. While this deletion is not anticipated to lead to nonsense mediated decay, it is expected to alter mRNA translation or result in a truncated protein product. This variant has not been reported in the literature in individuals affected with DES-related conditions. Experimental studies and prediction algorithms are not available or were not evaluated, and the functional significance of this variant is currently unknown. This variant disrupts a region of the DES protein in which other variant(s) (p.R173_p.E179del) have been observed in individuals with DES-related conditions (PMID: 9736733, 19433360). This suggests that this is a clinically significant region of the protein, and that variants that disrupt it are likely to be disease-causing. In summary, the available evidence is currently insufficient to determine the role of this variant in disease. Therefore, it has been classified as a Variant of Uncertain Significance.

Literature cited by the submitters: PubMed 9736733; PubMed 19433360.